The following is an entry in ClinVar:

NM_000642.3(AGL):c.2039G>A (p.Trp680Ter)

Gene: AGL (amylo-alpha-1,6-glucosidase and 4-alpha-glucanotransferase; plus strand). Cytogenetic location: 1p21.2.
Variant type: single nucleotide variant.
Coding change: c.2039G>A on transcript NM_000642.3 (MANE Select); coding-DNA position 2039, G replaced by A.
Protein change: p.Trp680Ter; replaces tryptophan 680 with a stop codon.
Molecular consequence: nonsense.
Genome position (GRCh38, 1-based): chr1:99,881,329, G>A. VCF-style: chr1-99881329-G-A. GRCh37 (hg19) VCF-style: chr1-100346885-G-A.
Other names: c.2039G>A, p.Trp680Ter (NM_000028.3, NM_000643.3, NM_000644.3 and 2 more transcripts); c.1991G>A, p.Trp664Ter (NM_000646.3); c.1838G>A, p.Trp613Ter (NM_001425327.1); c.1835G>A, p.Trp612Ter (NM_001425328.1, NM_001425329.1); c.1661G>A, p.Trp554Ter (NM_001425332.1); short protein forms W680*, W664*, W554*, W612*, W613*.
Identifiers: ClinVar variation 1096 (VCV000001096.32), dbSNP rs113994129, ClinGen allele CA114755.
Genomic context (GRCh38, chr1:99,881,329, plus strand): 5'-TGCTAAATTTTACCTTTGTCCAGATTTCAGTGGTTTCTGAAGAACGGTTTTACACTAAGT[G>A]GAATCCTGAAGCATTGCCTTCAAACACAGGTGAAGTTAATTTCCAAAGCGGCATTATTGC-3'

ClinVar aggregate classification (germline): Pathogenic/Likely pathogenic. Review status: criteria provided, multiple submitters, no conflicts (2 of 4 stars). 14 submissions from 14 submitters: Pathogenic (11); Likely pathogenic (1). 2 of the submissions do not count toward it. Last evaluated 2025-10-13.

Conditions:
Glycogen storage disease IIIa (GSD IIIa). Also called: Glycogen Storage Disease Type IIIa (GSD IIIa). Identifiers: MedGen C1968739.
Glycogen storage disease type III (GSD3). Also called: Cori disease; FORBES DISEASE. Identifiers: Orphanet 366, MedGen C0017922, MONDO:0009291, OMIM 232400.
Glycogen storage disease IIIb. Also called: Glycogen Storage Disease Type IIIb (GSD IIIb). Identifiers: MedGen C1968740.

Allele frequency attached by ClinVar (database versions not stated): gnomAD exomes 0.00001; TOPMed 0.00001; ExAC 0.00002; gnomAD 0.00002.
gnomAD v4.1: 13 of 1,613,932 alleles (0.00081%); highest among the groups gnomAD compares: Admixed American, 0.0017%; no homozygotes.

Submissions (14):

Natera, Inc.
Classification: Pathogenic for Glycogen storage disease type III. Last evaluated: 2025-10-13. Review status: criteria provided, single submitter. Criteria: Natera Variant Classification Schema (03/2026). Collection method: clinical testing. Allele origin: germline.
Comment: The c.2039G>A variant in AGL is a nonsense variant predicted to introduce a stop codon at amino acid 680. This variant is expected to result in nonsense mediated decay, truncation, or a dysfunctional protein product. This variant is rare in the general population with a frequency below the threshold expected for the associated phenotype(s). This variant has been observed in one or more individuals affected with the associated recessive disease, as either homozygous or compound heterozygous with a second variant (PMID: 23430490). Given the available evidence, this variant is classified as Pathogenic.

Women's Health and Genetics/Laboratory Corporation of America, LabCorp
Classification: Pathogenic for Glycogen storage disease IIIa. Last evaluated: 2025-03-05. Review status: criteria provided, single submitter. Criteria: LabCorp Variant Classification Summary - May 2015. Collection method: clinical testing. Allele origin: germline.
Comment: Variant summary: AGL c.2039G>A (p.Trp680X) results in a premature termination codon, predicted to cause a truncation of the encoded protein or absence of the protein due to nonsense mediated decay, which are commonly known mechanisms for disease. The variant allele was found at a frequency of 8e-06 in 250798 control chromosomes. c.2039G>A has been reported in the literature in multiple individuals affected with Glycogen Storage Disease Type III (e.g., Sentner_2012, Shen_1996). One functional study showed no GSD residual activity in GSD IIIa patients homozygous for this variant in leukocytes, fibroblasts, and/or liver tissue, and/or muscle tissue (Sentner_2012). The following publications have been ascertained in the context of this evaluation (PMID: 23430490, 8755644). ClinVar contains an entry for this variant (Variation ID: 1096). Based on the evidence outlined above, the variant was classified as pathogenic.

Labcorp Genetics (formerly Invitae), Labcorp
Classification: Pathogenic for Glycogen storage disease type III. Last evaluated: 2024-10-12. Review status: criteria provided, single submitter. Criteria: Invitae Variant Classification Sherloc (09022015). Collection method: clinical testing. Allele origin: germline.
Comment: This sequence change creates a premature translational stop signal (p.Trp680*) in the AGL gene. It is expected to result in an absent or disrupted protein product. Loss-of-function variants in AGL are known to be pathogenic (PMID: 19299494). This variant is present in population databases (rs113994129, gnomAD 0.002%). This premature translational stop signal has been observed in individual(s) with glycogen storage disease type III (GSDIII) (PMID: 8755644, 23430490). ClinVar contains an entry for this variant (Variation ID: 1096). Algorithms developed to predict the effect of sequence changes on RNA splicing suggest that this variant may disrupt the consensus splice site. For these reasons, this variant has been classified as Pathogenic.

GeneDx
Classification: Pathogenic. Last evaluated: 2024-09-26. Review status: criteria provided, single submitter. Criteria: GeneDx Variant Classification Process June 2021. Collection method: clinical testing. Allele origin: germline. Affected: yes.
Comment: Nonsense variant predicted to result in protein truncation or nonsense mediated decay in a gene for which loss of function is a known mechanism of disease; Not observed at significant frequency in large population cohorts (gnomAD); This variant is associated with the following publications: (PMID: 25525159, 8755644, 23430490, 34820282)

Baylor Genetics
Classification: Pathogenic for Glycogen storage disease type III. Last evaluated: 2024-03-14. Review status: criteria provided, single submitter. Criteria: ACMG Guidelines, 2015. Collection method: clinical testing. Allele origin: unknown.

Revvity Omics, Revvity
Classification: Pathogenic for Glycogen storage disease type III. Last evaluated: 2022-06-23. Review status: criteria provided, single submitter. Criteria: ACMG Guidelines, 2015. Collection method: clinical testing. Allele origin: germline.

AiLife Diagnostics
Classification: Pathogenic. Last evaluated: 2022-02-09. Review status: criteria provided, single submitter. Criteria: ACMG Guidelines, 2015. Collection method: clinical testing. Allele origin: germline. Affected: yes. Observed: 1 variant allele.

Fulgent Genetics
Classification: Pathogenic for Glycogen storage disease type III. Last evaluated: 2021-12-27. Review status: criteria provided, single submitter. Criteria: ACMG Guidelines, 2015. Collection method: clinical testing. Allele origin: unknown.

Genome-Nilou Lab
Classification: Pathogenic for Glycogen storage disease type III. Last evaluated: 2021-07-15. Review status: criteria provided, single submitter. Criteria: ACMG Guidelines, 2015. Collection method: clinical testing. Allele origin: germline. Affected: no.

Institute of Human Genetics Munich, TUM University Hospital
Classification: Pathogenic for Glycogen storage disease type III. Last evaluated: 2020-06-09. Review status: criteria provided, single submitter. Criteria: Classification criteria August 2017. Collection method: clinical testing. Allele origin: germline. Inheritance: Autosomal recessive inheritance. Affected: yes. Observed: 1 compound heterozygote.

Institute of Human Genetics, University of Leipzig Medical Center
Classification: Likely pathogenic for Glycogen storage disease type III. Last evaluated: 2019-01-01. Review status: criteria provided, single submitter. Criteria: ACMG Guidelines, 2015. Collection method: clinical testing. Allele origin: unknown. Affected: yes.

Eurofins Ntd Llc (ga)
Classification: Pathogenic. Last evaluated: 2014-06-13. Review status: criteria provided, single submitter. Criteria: EGL Classification Definitions 2015. Collection method: clinical testing. Allele origin: germline. Observed: 1 variant allele, 1 heterozygote.

OMIM
Classification: Pathogenic for GLYCOGEN STORAGE DISEASE, TYPE IIIb. Last evaluated: 1996-07-15. Review status: no assertion criteria provided. Collection method: literature only. Allele origin: germline. Not counted in ClinVar's aggregate classification.

GeneReviews
No classification provided. Condition: Glycogen storage disease type III. Review status: no classification provided. Collection method: literature only. Allele origin: germline. Not counted in ClinVar's aggregate classification.
Comment: 2039G>A, 2590C>T and 3682C>T are 3 common variants that together account for approximately 28% of pathogenic variants in persons of European origin.

Literature cited by the submitters: PubMed 23430490 (cited by 4 submitters); PubMed 8755644 (cited by 4 submitters); PubMed 19299494 (cited by Labcorp Genetics (formerly Invitae), Labcorp); NCBI Bookshelf NBK26372 (cited by GeneReviews); PubMed 17196294 (cited by GeneReviews).